The following is an entry in ClinVar:

ClinVar aggregate classification (germline): Uncertain significance (1 of 4 stars; one submission).

Allele frequency attached by ClinVar (database versions not stated): TOPMed below 0.00001; gnomAD exomes 0.00001.
gnomAD v4.1: 11 of 1,604,510 alleles (0.00069%); highest among the groups gnomAD compares: Non-Finnish European, 0.00094%; no homozygotes.

Submission:

Labcorp Genetics (formerly Invitae), Labcorp
Classification: Uncertain significance. Last evaluated: 2023-12-12. Review status: criteria provided, single submitter. Criteria: Invitae Variant Classification Sherloc (09022015). Collection method: clinical testing. Allele origin: germline.
Comment: This sequence change affects codon 18 of the MOCS3 mRNA. It is a 'silent' change, meaning that it does not change the encoded amino acid sequence of the MOCS3 protein. This variant is present in population databases (no rsID available, gnomAD 0.007%). This variant has not been reported in the literature in individuals affected with MOCS3-related conditions. In summary, the available evidence is currently insufficient to determine the role of this variant in disease. Therefore, it has been classified as a Variant of Uncertain Significance.

NM_014484.5(MOCS3):c.54G>A (p.Glu18=)

Gene: MOCS3 (molybdenum cofactor synthesis 3; plus strand). Cytogenetic location: 20q13.13.
Variant type: single nucleotide variant.
Coding change: c.54G>A on transcript NM_014484.5 (MANE Select); coding-DNA position 54, G replaced by A.
Protein change: p.Glu18=; no amino-acid change (glutamic acid 18 retained).
Molecular consequence: synonymous variant.
Genome position (GRCh38, 1-based): chr20:50,958,896, G>A. VCF-style: chr20-50958896-G-A. GRCh37 (hg19) VCF-style: chr20-49575433-G-A.
Identifiers: ClinVar variation 2979712 (VCV002979712.3), dbSNP rs1421205759, ClinGen allele CA511022241.